The following is an entry in ClinVar:

ClinVar aggregate classification (germline): Uncertain significance (1 of 4 stars; one submission).

Conditions:
Hyper-IgM syndrome type 1. Also called: Immunodeficiency, X-linked, with hyper-IgM; Hyper-IgM Immunodeficiency Syndrome, Type 1; CD40 Ligand Deficiency; X-linked hyper-IgM syndrome. Identifiers: Orphanet 101088, MedGen C0398689, MONDO:0010626, OMIM 308230.

gnomAD v4.1: 2 of 1,207,143 alleles (0.00017%); highest among the groups gnomAD compares: Non-Finnish European, 0.00022%; no homozygotes.

Submission:

Labcorp Genetics (formerly Invitae), Labcorp
Classification: Uncertain significance for Hyper-IgM syndrome type 1. Last evaluated: 2021-07-29. Review status: criteria provided, single submitter. Criteria: Invitae Variant Classification Sherloc (09022015). Collection method: clinical testing. Allele origin: germline.
Comment: This sequence change falls in intron 1 of the CD40LG gene. It does not directly change the encoded amino acid sequence of the CD40LG protein. It affects a nucleotide within the consensus splice site of the intron. This variant is not present in population databases (ExAC no frequency). This variant has not been reported in the literature in individuals affected with CD40LG-related conditions. Nucleotide substitutions within the consensus splice site are a relatively common cause of aberrant splicing (PMID: 17576681, 9536098). Algorithms developed to predict the effect of sequence changes on RNA splicing suggest that this variant is not likely to affect RNA splicing. In summary, the available evidence is currently insufficient to determine the role of this variant in disease. Therefore, it has been classified as a Variant of Uncertain Significance.

Literature cited by the submitters: PubMed 17576681; PubMed 9536098.

NM_000074.3(CD40LG):c.156+4A>G

Gene: CD40LG (CD40 ligand; plus strand). Cytogenetic location: Xq26.3.
Variant type: single nucleotide variant.
Coding change: c.156+4A>G on transcript NM_000074.3 (MANE Select); 4 bases into the intron after coding-DNA position 156, A replaced by G.
Molecular consequence: intron variant.
Genome position (GRCh38, 1-based): chrX:136,648,408, A>G. VCF-style: chrX-136648408-A-G. GRCh37 (hg19) VCF-style: chrX-135730567-A-G.
Identifiers: ClinVar variation 1360452 (VCV001360452.6), dbSNP rs2148550590, ClinGen allele CA2573159254.